The following is an entry in ClinVar:

ClinVar aggregate classification (germline): Uncertain significance (1 of 4 stars; one submission).

gnomAD v4.1: 1 of 1,611,446 alleles (0.000062%); highest among the groups gnomAD compares: Non-Finnish European, 0.000085%; no homozygotes.

Submission:

Labcorp Genetics (formerly Invitae), Labcorp
Classification: Uncertain significance. Last evaluated: 2025-05-01. Review status: criteria provided, single submitter. Criteria: Invitae Variant Classification Sherloc (09022015). Collection method: clinical testing. Allele origin: germline.
Comment: This sequence change replaces serine, which is neutral and polar, with asparagine, which is neutral and polar, at codon 358 of the PNPLA8 protein (p.Ser358Asn). This variant is not present in population databases (gnomAD no frequency). This variant has not been reported in the literature in individuals affected with PNPLA8-related conditions. An algorithm developed to predict the effect of missense changes on protein structure and function (PolyPhen-2) suggests that this variant is likely to be disruptive. In summary, the available evidence is currently insufficient to determine the role of this variant in disease. Therefore, it has been classified as a Variant of Uncertain Significance.

NM_001256007.3(PNPLA8):c.1073G>A (p.Ser358Asn)

Gene: PNPLA8 (patatin like domain 8, phospholipase A2; minus strand). Cytogenetic location: 7q31.1.
Variant type: single nucleotide variant.
Coding change: c.1073G>A on transcript NM_001256007.3 (MANE Select); coding-DNA position 1073, G replaced by A.
Protein change: p.Ser358Asn; replaces serine 358 with asparagine.
Molecular consequence: missense variant.
Genome position (GRCh38, 1-based): chr7:108,514,277, C>T on the plus strand (G>A on the coding strand, the complement: PNPLA8 is on the minus strand). VCF-style: chr7-108514277-C-T. GRCh37 (hg19) VCF-style: chr7-108154721-C-T.
Other names: c.1073G>A, p.Ser358Asn (NM_001256008.3, NM_001256009.3, NM_015723.5); c.773G>A, p.Ser258Asn (NM_001256010.3, NM_001256011.3); short protein forms S358N, S258N.
Identifiers: ClinVar variation 4767797 (VCV004767797.1).